The following is an entry in ClinVar:

NM_016247.4(IMPG2):c.965C>A (p.Thr322Asn)

Gene: IMPG2 (interphotoreceptor matrix proteoglycan 2; minus strand). Cytogenetic location: 3q12.3.
Variant type: single nucleotide variant.
Coding change: c.965C>A on transcript NM_016247.4 (MANE Select); coding-DNA position 965, C replaced by A.
Protein change: p.Thr322Asn; replaces threonine 322 with asparagine.
Molecular consequence: missense variant.
Genome position (GRCh38, 1-based): chr3:101,257,717, G>T on the plus strand (C>A on the coding strand, the complement: IMPG2 is on the minus strand). VCF-style: chr3-101257717-G-T. GRCh37 (hg19) VCF-style: chr3-100976561-G-T.
Other names: short protein forms T322N.
Identifiers: ClinVar variation 1353210 (VCV001353210.6), dbSNP rs1450344393, ClinGen allele CA353866200.

ClinVar aggregate classification (germline): Uncertain significance. Review status: criteria provided, multiple submitters, no conflicts (2 of 4 stars). 2 submissions from 2 submitters: Uncertain significance (2). Last evaluated 2022-08-15.

Allele frequency attached by ClinVar (database versions not stated): gnomAD exomes below 0.00001; TOPMed below 0.00001.
gnomAD v4.1: 8 of 1,613,266 alleles (0.0005%); highest among the groups gnomAD compares: East Asian, 0.0022%; no homozygotes.

Submissions (2):

Labcorp Genetics (formerly Invitae), Labcorp
Classification: Uncertain significance. Last evaluated: 2022-08-15. Review status: criteria provided, single submitter. Criteria: Invitae Variant Classification Sherloc (09022015). Collection method: clinical testing. Allele origin: germline.
Comment: This variant has not been reported in the literature in individuals affected with IMPG2-related conditions. This variant is present in population databases (no rsID available, gnomAD 0.0009%). This sequence change replaces threonine, which is neutral and polar, with asparagine, which is neutral and polar, at codon 322 of the IMPG2 protein (p.Thr322Asn). ClinVar contains an entry for this variant (Variation ID: 1353210). In summary, the available evidence is currently insufficient to determine the role of this variant in disease. Therefore, it has been classified as a Variant of Uncertain Significance. Algorithms developed to predict the effect of missense changes on protein structure and function are either unavailable or do not agree on the potential impact of this missense change (SIFT: "Deleterious"; PolyPhen-2: "Probably Damaging"; Align-GVGD: "Class C0").

Blueprint Genetics
Classification: Uncertain significance. Last evaluated: 2018-05-25. Review status: criteria provided, single submitter. Criteria: ACMG Guidelines, 2015. Collection method: clinical testing. Allele origin: germline.